The following is an entry in ClinVar:

ClinVar aggregate classification (germline): Likely benign. Review status: criteria provided, multiple submitters, no conflicts (2 of 4 stars). 3 submissions from 3 submitters: Likely benign (3). Last evaluated 2022-08-01.

Allele frequency attached by ClinVar (database versions not stated): gnomAD 0.00127 and 0.00131; ExAC 0.00140; TOPMed 0.00148; ESP Exome Variant Server 0.00177.
gnomAD v4.1: 2,020 of 1,584,002 alleles (0.13%); highest among the groups gnomAD compares: Middle Eastern, 0.2%; 4 homozygotes.

Submissions (3):

CeGaT Center for Human Genetics Tuebingen
Classification: Likely benign. Last evaluated: 2022-08-01. Review status: criteria provided, single submitter. Criteria: CeGaT Center For Human Genetics Tuebingen Variant Classification Criteria Version 2. Collection method: clinical testing. Allele origin: germline. Affected: yes. Observed: 1 variant allele.
Comment: GC: BP4, BP7

Labcorp Genetics (formerly Invitae), Labcorp
Classification: Likely benign. Last evaluated: 2018-08-01. Review status: criteria provided, single submitter. Criteria: Invitae Variant Classification Sherloc (09022015). Collection method: clinical testing. Allele origin: germline.

Breakthrough Genomics
Classification: Likely benign. Review status: criteria provided, single submitter. Criteria: ACMG Guidelines, 2015. Collection method: not provided. Allele origin: germline. Inheritance: Unknown mechanism. Affected: yes.

NM_000583.4(GC):c.687G>A (p.Lys229=)

Gene: GC (GC vitamin D binding protein; minus strand). Cytogenetic location: 4q13.3.
Variant type: single nucleotide variant.
Coding change: c.687G>A on transcript NM_000583.4 (MANE Select); coding-DNA position 687, G replaced by A.
Protein change: p.Lys229=; no amino-acid change (lysine 229 retained).
Molecular consequence: synonymous variant.
Genome position (GRCh38, 1-based): chr4:71,763,422, C>T on the plus strand (G>A on the coding strand, the complement: GC is on the minus strand). VCF-style: chr4-71763422-C-T. GRCh37 (hg19) VCF-style: chr4-72629139-C-T.
Other names: c.687G>A, p.Lys229= (NM_001204306.1); c.744G>A, p.Lys248= (NM_001204307.1).
Identifiers: ClinVar variation 773155 (VCV000773155.28), dbSNP rs111261486, ClinGen allele CA2955632.